The following is an entry in ClinVar:

ClinVar aggregate classification (germline): Benign/Likely benign. Review status: criteria provided, multiple submitters, no conflicts (2 of 4 stars). 5 submissions from 5 submitters: Benign (1); Likely benign (4). Last evaluated 2025-12-29.

Conditions:
Hereditary cancer-predisposing syndrome. Also called: Neoplastic Syndromes, Hereditary; Hereditary Cancer Syndrome; Tumor predisposition; Hereditary neoplastic syndrome. Identifiers: Orphanet 140162, MedGen C0027672, MeSH D009386, MONDO:0015356.
Familial cancer of breast. Also called: Hereditary breast cancer; BREAST CANCER, FAMILIAL; hereditary breast carcinoma. Identifiers: Orphanet 227535, MedGen C0346153, MONDO:0016419, OMIM 114480. Disease mechanism: loss of function.
Ataxia-telangiectasia syndrome (AT). Also called: LOUIS-BAR SYNDROME; Cerebello-oculocutaneous telangiectasia; Immunodeficiency with ataxia telangiectasia; Ataxia-telangiectasia, complementation group D; AT, COMPLEMENTATION GROUP C; Ataxia-telangiectasia, complementation group E. Identifiers: Orphanet 100, MedGen C0004135, MONDO:0008840, OMIM 208900.

Allele frequency attached by ClinVar (database versions not stated): gnomAD exomes below 0.00001.
gnomAD v4.1: 1 of 1,613,968 alleles (0.000062%); highest among the groups gnomAD compares: African/African-American, 0.0013%; no homozygotes.

Submissions (5):

Center for Genomic Medicine, Rigshospitalet, Copenhagen University Hospital
Classification: Likely benign. Last evaluated: 2025-12-29. Review status: criteria provided, single submitter. Criteria: ACMG Guidelines, 2015. Collection method: clinical testing. Allele origin: germline.

Labcorp Genetics (formerly Invitae), Labcorp
Classification: Likely benign for Ataxia-telangiectasia syndrome. Last evaluated: 2025-12-10. Review status: criteria provided, single submitter. Criteria: Invitae Variant Classification Sherloc (09022015). Collection method: clinical testing. Allele origin: germline.

Blueprint Genetics
Classification: Likely benign. Last evaluated: 2024-11-22. Review status: criteria provided, single submitter. Criteria: ACMG Guidelines, 2015. Collection method: clinical testing. Allele origin: germline.

Myriad Genetics, Inc.
Classification: Benign for Familial cancer of breast. Last evaluated: 2024-06-19. Review status: criteria provided, single submitter. Criteria: Myriad Autosomal Dominant, Autosomal Recessive and X-Linked Classification Criteria (2023). Collection method: clinical testing. Allele origin: unknown.
Comment: This variant is considered benign. This variant is a silent/synonymous amino acid change and it is not expected to impact splicing.

Ambry Genetics
Classification: Likely benign for Hereditary cancer-predisposing syndrome. Last evaluated: 2016-02-29. Review status: criteria provided, single submitter. Criteria: Ambry Variant Classification Scheme 2023. Collection method: clinical testing. Allele origin: germline.

NM_000051.4(ATM):c.8346C>T (p.Asn2782=)

Genes: ATM (ATM serine/threonine kinase; plus strand), C11orf65 (chromosome 11 open reading frame 65; minus strand). Cytogenetic location: 11q22.3.
Variant type: single nucleotide variant.
Coding change: c.8346C>T on transcript NM_000051.4 (MANE Select); coding-DNA position 8346, C replaced by T.
Protein change: p.Asn2782=; no amino-acid change (asparagine 2782 retained).
Molecular consequence: synonymous variant. On other transcripts: intron variant (2).
Genome position (GRCh38, 1-based): chr11:108,343,299, C>T. VCF-style: chr11-108343299-C-T. GRCh37 (hg19) VCF-style: chr11-108214026-C-T.
Other names: c.8346C>T, p.Asn2782= (NM_001351834.2); c.641-34228G>A (NM_001330368.2); c.695-8007G>A (NM_001351110.2).
Identifiers: ClinVar variation 481046 (VCV000481046.16), dbSNP rs999357615, ClinGen allele CA228364884.